The following is an entry in ClinVar:

NM_000264.5(PTCH1):c.2469C>G (p.His823Gln)

Genes: PTCH1 (patched 1; minus strand), LOC100507346 (uncharacterized LOC100507346; plus strand). Cytogenetic location: 9q22.32.
Variant type: single nucleotide variant.
Coding change: c.2469C>G on transcript NM_000264.5 (MANE Select); coding-DNA position 2469, C replaced by G.
Protein change: p.His823Gln; replaces histidine 823 with glutamine.
Molecular consequence: missense variant. On other transcripts: non-coding transcript variant (2).
Genome position (GRCh38, 1-based): chr9:95,467,207, G>C on the plus strand (C>G on the coding strand, the complement: PTCH1 is on the minus strand). VCF-style: chr9-95467207-G-C. GRCh37 (hg19) VCF-style: chr9-98229489-G-C.
Other names: c.2271C>G, p.His757Gln (NM_001083602.3); c.2466C>G, p.His822Gln (NM_001083603.3); c.2016C>G, p.His672Gln (NM_001083604.3, NM_001083605.3, NM_001083606.3 and 1 more transcripts); c.2313C>G, p.His771Gln (NM_001354918.2); short protein forms H757Q, H823Q, H771Q, H822Q, H672Q.
Identifiers: ClinVar variation 4146891 (VCV004146891.1).

ClinVar aggregate classification (germline): Uncertain significance (1 of 4 stars; one submission).

Conditions:
Hereditary cancer-predisposing syndrome. Also called: Hereditary neoplastic syndrome; Neoplastic Syndromes, Hereditary; Tumor predisposition; Hereditary Cancer Syndrome. Identifiers: Orphanet 140162, MedGen C0027672, MeSH D009386, MONDO:0015356.

Submission:

Ambry Genetics
Classification: Uncertain significance for Hereditary cancer-predisposing syndrome. Last evaluated: 2025-08-22. Review status: criteria provided, single submitter. Criteria: Ambry Variant Classification Scheme 2023. Collection method: clinical testing. Allele origin: germline.
Comment: The p.H823Q variant (also known as c.2469C>G), located in coding exon 15 of the PTCH1 gene, results from a C to G substitution at nucleotide position 2469. The histidine at codon 823 is replaced by glutamine, an amino acid with highly similar properties. This amino acid position is conserved. In addition, this alteration is predicted to be deleterious by in silico analysis. Based on the available evidence, the clinical significance of this variant remains unclear.